The following is an entry in ClinVar:

NM_024675.4(PALB2):c.2287T>A (p.Leu763Met)

Gene: PALB2 (partner and localizer of BRCA2; minus strand). Cytogenetic location: 16p12.2.
Variant type: single nucleotide variant.
Coding change: c.2287T>A on transcript NM_024675.4 (MANE Select); coding-DNA position 2287, T replaced by A.
Protein change: p.Leu763Met; replaces leucine 763 with methionine.
Molecular consequence: missense variant. On other transcripts: intron variant (1).
Genome position (GRCh38, 1-based): chr16:23,629,867, A>T on the plus strand (T>A on the coding strand, the complement: PALB2 is on the minus strand). VCF-style: chr16-23629867-A-T. GRCh37 (hg19) VCF-style: chr16-23641188-A-T.
Other names: c.2227T>A, p.Leu743Met (NM_001407296.1); c.2287T>A, p.Leu763Met (NM_001407297.1, NM_001407298.1, NM_001407299.1 and 3 more transcripts); c.1402T>A, p.Leu468Met (NM_001407304.1, NM_001407305.1, NM_001407306.1 and 5 more transcripts); c.499T>A, p.Leu167Met (NM_001407312.1, NM_001407313.1); c.49-592T>A (NM_001407314.1); short protein forms L167M, L468M, L763M, L743M.
Identifiers: ClinVar variation 2717130 (VCV002717130.3), dbSNP rs2142376414, ClinGen allele CA395125333.

ClinVar aggregate classification (germline): Uncertain significance (1 of 4 stars; one submission).

Conditions:
Familial cancer of breast. Also called: Hereditary breast cancer; BREAST CANCER, FAMILIAL; hereditary breast carcinoma. Identifiers: Orphanet 227535, MedGen C0346153, MONDO:0016419, OMIM 114480. Disease mechanism: loss of function.

Allele frequency attached by ClinVar (database versions not stated): gnomAD exomes below 0.00001.
gnomAD v4.1: 1 of 1,614,152 alleles (0.000062%); highest among the groups gnomAD compares: South Asian, 0.0011%; no homozygotes.

Submission:

Labcorp Genetics (formerly Invitae), Labcorp
Classification: Uncertain significance for Familial cancer of breast. Last evaluated: 2023-08-31. Review status: criteria provided, single submitter. Criteria: Invitae Variant Classification Sherloc (09022015). Collection method: clinical testing. Allele origin: germline.
Comment: In summary, the available evidence is currently insufficient to determine the role of this variant in disease. Therefore, it has been classified as a Variant of Uncertain Significance. Advanced modeling of protein sequence and biophysical properties (such as structural, functional, and spatial information, amino acid conservation, physicochemical variation, residue mobility, and thermodynamic stability) performed at Invitae indicates that this missense variant is not expected to disrupt PALB2 protein function. This variant has not been reported in the literature in individuals affected with PALB2-related conditions. This variant is not present in population databases (gnomAD no frequency). This sequence change replaces leucine, which is neutral and non-polar, with methionine, which is neutral and non-polar, at codon 763 of the PALB2 protein (p.Leu763Met).